The following is an entry in ClinVar:

NM_005529.7(HSPG2):c.7466G>A (p.Arg2489His)

Gene: HSPG2 (heparan sulfate proteoglycan 2; minus strand). Cytogenetic location: 1p36.12.
Variant type: single nucleotide variant.
Coding change: c.7466G>A on transcript NM_005529.7 (MANE Select); coding-DNA position 7466, G replaced by A.
Protein change: p.Arg2489His; replaces arginine 2489 with histidine.
Molecular consequence: missense variant.
Genome position (GRCh38, 1-based): chr1:21,849,012, C>T on the plus strand (G>A on the coding strand, the complement: HSPG2 is on the minus strand). VCF-style: chr1-21849012-C-T. GRCh37 (hg19) VCF-style: chr1-22175505-C-T.
Other names: c.7469G>A, p.Arg2490His (NM_001291860.2); short protein forms R2489H, R2490H.
Identifiers: ClinVar variation 1391968 (VCV001391968.5), dbSNP rs369203034, ClinGen allele CA671159.

ClinVar aggregate classification (germline): Uncertain significance (1 of 4 stars; one submission).

Allele frequency attached by ClinVar (database versions not stated): ExAC 0.00001; gnomAD 0.00001; gnomAD exomes 0.00001 and 0.00002; TOPMed 0.00001; ESP Exome Variant Server 0.00008.
gnomAD v4.1: 12 of 1,613,798 alleles (0.00074%); highest among the groups gnomAD compares: Admixed American, 0.0083%; no homozygotes.

Submission:

Labcorp Genetics (formerly Invitae), Labcorp
Classification: Uncertain significance. Last evaluated: 2022-10-25. Review status: criteria provided, single submitter. Criteria: Invitae Variant Classification Sherloc (09022015). Collection method: clinical testing. Allele origin: germline.
Comment: This sequence change replaces arginine, which is basic and polar, with histidine, which is basic and polar, at codon 2489 of the HSPG2 protein (p.Arg2489His). This variant is present in population databases (rs369203034, gnomAD 0.01%). This variant has not been reported in the literature in individuals affected with HSPG2-related conditions. ClinVar contains an entry for this variant (Variation ID: 1391968). Algorithms developed to predict the effect of missense changes on protein structure and function are either unavailable or do not agree on the potential impact of this missense change (SIFT: "Tolerated"; PolyPhen-2: "Possibly Damaging"; Align-GVGD: "Class C0"). In summary, the available evidence is currently insufficient to determine the role of this variant in disease. Therefore, it has been classified as a Variant of Uncertain Significance.